The following is an entry in ClinVar:

NM_000868.4(HTR2C):c.350-7_350-6del

Gene: HTR2C (5-hydroxytryptamine receptor 2C; plus strand). Cytogenetic location: Xq23.
Variant type: Microsatellite.
Coding change: c.350-7_350-6del on transcript NM_000868.4 (MANE Select); 7 bases into the intron before coding-DNA position 350 through 6 bases into the intron before coding-DNA position 350, 2 bases deleted (CT; older notation c.350-7_350-6delCT).
Molecular consequence: intron variant.
Genome position (GRCh38, 1-based): chrX:114,847,996-114,847,997, CT deleted; deleting any 2 consecutive bases within chrX:114,847,993-114,847,997 gives the same sequence; the c. name uses the placement nearest the transcript's 3' end. VCF-style (leftmost placement, unchanged base first): chrX-114847992-TTC-T. GRCh37 (hg19) VCF-style: chrX-114082555-TTC-T.
Other names: c.350-7_350-6del (NM_001256760.3, NM_001256761.3).
Identifiers: ClinVar variation 3351159 (VCV003351159.1).
Genomic context (GRCh38, chrX:114,847,992, plus strand): 5'-GACTAAAATTTGAGACTATAGTCAGTACAATTTGGATGACGTGTTCTTGTCTTCTCTCTG[TTC>T]TCTTTCAGATTATGTCTGGCCACTACCTAGATATTTGTGCCCCGTCTGGATTTCTTTAGA-3'

ClinVar aggregate classification (germline): Likely benign (0 of 4 stars; one submission).

Conditions:
HTR2C-related disorder. Also called: HTR2C-related condition.

Submission:

PreventionGenetics, part of Exact Sciences
Classification: Likely benign for HTR2C-related condition. Last evaluated: 2023-12-11. Review status: no assertion criteria provided. Collection method: clinical testing. Allele origin: germline.
Comment: This variant is classified as likely benign based on ACMG/AMP sequence variant interpretation guidelines (Richards et al. 2015 PMID: 25741868, with internal and published modifications).